The following is an entry in ClinVar:

NM_130837.3(OPA1):c.2012+7A>G

Gene: OPA1 (OPA1 mitochondrial dynamin like GTPase; plus strand). Cytogenetic location: 3q29.
Variant type: single nucleotide variant.
Coding change: c.2012+7A>G on transcript NM_130837.3 (MANE Select); 7 bases into the intron after coding-DNA position 2012, A replaced by G.
Molecular consequence: intron variant.
Genome position (GRCh38, 1-based): chr3:193,648,878, A>G. VCF-style: chr3-193648878-A-G. GRCh37 (hg19) VCF-style: chr3-193366667-A-G.
Other names: c.2012+7A>G (NM_130837.2); c.1475+7A>G (NM_001354664.2); c.1478+7A>G (NM_001354663.2); c.1901+7A>G (NM_130834.3); c.1958+7A>G (NM_130836.3); c.1847+7A>G (NM_015560.3); c.1904+7A>G (NM_130835.3); c.1793+7A>G (NM_130832.3); and 2 more.
Identifiers: ClinVar variation 390899 (VCV000390899.7), dbSNP rs767488490, ClinGen allele CA2759554.

ClinVar aggregate classification (germline): Likely benign. Review status: criteria provided, multiple submitters, no conflicts (2 of 4 stars). 3 submissions from 3 submitters: Likely benign (2). 1 of the submissions does not count toward it. Last evaluated 2025-09-21.

Conditions:
OPA1-related disorder. Also called: OPA1-related condition; OPA1-related disorders.

Allele frequency attached by ClinVar (database versions not stated): TOPMed below 0.00001; ExAC 0.00001; gnomAD exomes 0.00001.
gnomAD v4.1: 16 of 1,545,658 alleles (0.001%); highest among the groups gnomAD compares: South Asian, 0.0089%; no homozygotes.

Submissions (3):

Labcorp Genetics (formerly Invitae), Labcorp
Classification: Likely benign. Last evaluated: 2025-09-21. Review status: criteria provided, single submitter. Criteria: Invitae Variant Classification Sherloc (09022015). Collection method: clinical testing. Allele origin: germline.

GeneDx
Classification: Likely benign. Last evaluated: 2016-11-25. Review status: criteria provided, single submitter. Criteria: GeneDx Variant Classification (06012015). Collection method: clinical testing. Allele origin: germline. Affected: yes.
Comment: This variant is considered likely benign or benign based on one or more of the following criteria: it is a conservative change, it occurs at a poorly conserved position in the protein, it is predicted to be benign by multiple in silico algorithms, and/or has population frequency not consistent with disease.

PreventionGenetics, part of Exact Sciences
Classification: Likely benign for OPA1-related condition. Last evaluated: 2021-12-30. Review status: no assertion criteria provided. Collection method: clinical testing. Allele origin: germline. Not counted in ClinVar's aggregate classification.
Comment: This variant is classified as likely benign based on ACMG/AMP sequence variant interpretation guidelines (Richards et al. 2015 PMID: 25741868, with internal and published modifications).